The following is an entry in ClinVar:

NM_144999.4(LRRC45):c.1309-9C>A

Gene: LRRC45 (leucine rich repeat containing 45; plus strand). Cytogenetic location: 17q25.3.
Variant type: single nucleotide variant.
Coding change: c.1309-9C>A on transcript NM_144999.4 (MANE Select); 9 bases into the intron before coding-DNA position 1309, C replaced by A.
Molecular consequence: intron variant.
Genome position (GRCh38, 1-based): chr17:82,029,084, C>A. VCF-style: chr17-82029084-C-A. GRCh37 (hg19) VCF-style: chr17-79986960-C-A.
Identifiers: ClinVar variation 4995166 (VCV004995166.1).

ClinVar aggregate classification (germline): Likely benign (1 of 4 stars; one submission).

Conditions:
LRRC45-related disorder. Also called: LRRC45-related condition.

gnomAD v4.1: 1 of 1,611,224 alleles (0.000062%); highest among the groups gnomAD compares: East Asian, 0.0022%; no homozygotes.

Submission:

PreventionGenetics, part of Exact Sciences
Classification: Likely benign for LRRC45-related condition. Last evaluated: 2025-08-26. Review status: criteria provided, single submitter. Criteria: ACMG Guidelines, 2015. Collection method: clinical testing. Allele origin: germline.
Comment: This variant is classified as likely benign based on ACMG/AMP sequence variant interpretation guidelines (Richards et al. 2015 PMID: 25741868, with internal and published modifications).